The following is an entry in ClinVar:

NM_015450.3(POT1):c.1195A>G (p.Ile399Val)

Gene: POT1 (protection of telomeres 1; minus strand). Cytogenetic location: 7q31.33.
Variant type: single nucleotide variant.
Coding change: c.1195A>G on transcript NM_015450.3 (MANE Select); coding-DNA position 1195, A replaced by G.
Protein change: p.Ile399Val; replaces isoleucine 399 with valine.
Molecular consequence: missense variant. On other transcripts: non-coding transcript variant (3).
Genome position (GRCh38, 1-based): chr7:124,841,147, T>C on the plus strand (A>G on the coding strand, the complement: POT1 is on the minus strand). VCF-style: chr7-124841147-T-C. GRCh37 (hg19) VCF-style: chr7-124481201-T-C.
Other names: c.802A>G, p.Ile268Val (NM_001042594.2); c.1195A>G (NM_015450.2); short protein forms I399V, I268V.
Identifiers: ClinVar variation 1421008 (VCV001421008.9), dbSNP rs2116462060, ClinGen allele CA369067669.

ClinVar aggregate classification (germline): Uncertain significance. Review status: criteria provided, multiple submitters, no conflicts (2 of 4 stars). 2 submissions from 2 submitters: Uncertain significance (2). Last evaluated 2024-05-20.

Conditions:
Tumor predisposition syndrome 3 (TPDS3). Also called: LONG TELOMERE SYNDROME, POT1-RELATED; POT1 Tumor Predisposition; Glioma susceptibility 9; Melanoma, cutaneous malignant, susceptibility to, 10. Identifiers: Orphanet 618, MedGen C4014476, MONDO:0014368, OMIM 615848.
Hereditary cancer-predisposing syndrome. Also called: Hereditary Cancer Syndrome; Neoplastic Syndromes, Hereditary; Hereditary neoplastic syndrome; Tumor predisposition. Identifiers: Orphanet 140162, MedGen C0027672, MeSH D009386, MONDO:0015356.

Submissions (2):

Ambry Genetics
Classification: Uncertain significance for Hereditary cancer-predisposing syndrome. Last evaluated: 2024-05-20. Review status: criteria provided, single submitter. Criteria: Ambry Variant Classification Scheme 2023. Collection method: clinical testing. Allele origin: germline.
Comment: The p.I399V variant (also known as c.1195A>G), located in coding exon 10 of the POT1 gene, results from an A to G substitution at nucleotide position 1195. The isoleucine at codon 399 is replaced by valine, an amino acid with highly similar properties. This amino acid position is conserved. In addition, this alteration is predicted to be tolerated by in silico analysis. Based on the available evidence, the clinical significance of this variant remains unclear.

Labcorp Genetics (formerly Invitae), Labcorp
Classification: Uncertain significance for Tumor predisposition syndrome 3. Last evaluated: 2021-03-12. Review status: criteria provided, single submitter. Criteria: Invitae Variant Classification Sherloc (09022015). Collection method: clinical testing. Allele origin: germline.
Comment: Algorithms developed to predict the effect of missense changes on protein structure and function (SIFT, PolyPhen-2, Align-GVGD) all suggest that this variant is likely to be tolerated, but these predictions have not been confirmed by published functional studies and their clinical significance is uncertain. In summary, the available evidence is currently insufficient to determine the role of this variant in disease. Therefore, it has been classified as a Variant of Uncertain Significance. Algorithms developed to predict the effect of sequence changes on RNA splicing suggest that this variant may create or strengthen a splice site, but this prediction has not been confirmed by published transcriptional studies. This variant has not been reported in the literature in individuals with POT1-related conditions. This variant is not present in population databases (ExAC no frequency). This sequence change replaces isoleucine with valine at codon 399 of the POT1 protein (p.Ile399Val). The isoleucine residue is weakly conserved and there is a small physicochemical difference between isoleucine and valine.